The following is an entry in ClinVar:

NM_015512.5(DNAH1):c.11436G>T (p.Met3812Ile)

Gene: DNAH1 (dynein axonemal heavy chain 1; plus strand). Cytogenetic location: 3p21.1.
Variant type: single nucleotide variant.
Coding change: c.11436G>T on transcript NM_015512.5 (MANE Select); coding-DNA position 11436, G replaced by T.
Protein change: p.Met3812Ile; replaces methionine 3812 with isoleucine.
Molecular consequence: missense variant.
Genome position (GRCh38, 1-based): chr3:52,396,623, G>T. VCF-style: chr3-52396623-G-T. GRCh37 (hg19) VCF-style: chr3-52430639-G-T.
Other names: short protein forms M3812I.
Identifiers: ClinVar variation 2042488 (VCV002042488.3), dbSNP rs528400726, ClinGen allele CA2436179.

ClinVar aggregate classification (germline): Uncertain significance. Review status: criteria provided, multiple submitters, no conflicts (2 of 4 stars). 2 submissions from 2 submitters: Uncertain significance (2). Last evaluated 2024-11-10.

Conditions:
Spermatogenic failure 18. Identifiers: MedGen C4539783, MONDO:0054615, OMIM 617576.
Ciliary dyskinesia, primary, 37 (CILD37). Also called: CILIARY DYSKINESIA, PRIMARY, 37, WITH OR WITHOUT SITUS INVERSUS. Identifiers: MedGen C4539798, MONDO:0033204, OMIM 617577.

Allele frequency attached by ClinVar (database versions not stated): ExAC 0.00008; TOPMed 0.00012; gnomAD 0.00014; 1000 Genomes Project 0.00040; 1000 Genomes Project 30x 0.00047.
gnomAD v4.1: 36 of 1,612,162 alleles (0.0022%); highest among the groups gnomAD compares: African/African-American, 0.041%; no homozygotes.

Submissions (2):

Ambry Genetics
Classification: Uncertain significance. Last evaluated: 2024-11-10. Review status: criteria provided, single submitter. Criteria: Ambry Variant Classification Scheme 2023. Collection method: clinical testing. Allele origin: germline.

Labcorp Genetics (formerly Invitae), Labcorp
Classification: Uncertain significance for Ciliary dyskinesia, primary, 37; Spermatogenic failure 18. Last evaluated: 2022-08-07. Review status: criteria provided, single submitter. Criteria: Invitae Variant Classification Sherloc (09022015). Collection method: clinical testing. Allele origin: germline.
Comment: This sequence change replaces methionine, which is neutral and non-polar, with isoleucine, which is neutral and non-polar, at codon 3812 of the DNAH1 protein (p.Met3812Ile). This variant is present in population databases (rs528400726, gnomAD 0.05%). This variant has not been reported in the literature in individuals affected with DNAH1-related conditions. Algorithms developed to predict the effect of missense changes on protein structure and function (SIFT, PolyPhen-2, Align-GVGD) all suggest that this variant is likely to be tolerated. In summary, the available evidence is currently insufficient to determine the role of this variant in disease. Therefore, it has been classified as a Variant of Uncertain Significance.